The following is an entry in ClinVar:

NM_000059.4(BRCA2):c.6048del (p.Phe2016fs)

Gene: BRCA2 (BRCA2 DNA repair associated; plus strand). Cytogenetic location: 13q13.1.
Variant type: Deletion.
Coding change: c.6048del on transcript NM_000059.4 (MANE Select); coding-DNA position 6048, one base deleted (T; older notation c.6048delT).
Protein change: p.Phe2016fs; shifts the reading frame from phenylalanine 2016.
Molecular consequence: frameshift variant.
Genome position (GRCh38, 1-based): chr13:32,340,403, T deleted; the last of 3 consecutive T bases (chr13:32,340,401-32,340,403); deleting any one gives the same sequence. VCF-style (leftmost placement, unchanged base first): chr13-32340400-GT-G. GRCh37 (hg19) VCF-style: chr13-32914537-GT-G.
Other names: 6276delT (6274delT); c.6048delT (NM_000059.3); short protein forms F2016fs.
Identifiers: ClinVar variation 266916 (VCV000266916.7), dbSNP rs886040629, ClinGen allele CA10589347.

ClinVar aggregate classification (germline): Pathogenic. Review status: reviewed by expert panel (3 of 4 stars). 3 submissions from 3 submitters: Pathogenic (1). 2 of the submissions do not count toward it. Last evaluated 2016-10-18.

Conditions:
Breast-ovarian cancer, familial, susceptibility to, 2 (BROVCA2). Also called: BRCA2 Hereditary Breast and Ovarian Cancer. Identifiers: Orphanet 145, MedGen C2675520, MONDO:0012933, OMIM 612555. Disease mechanism: loss of function.
Hereditary cancer-predisposing syndrome. Also called: Hereditary neoplastic syndrome; Neoplastic Syndromes, Hereditary; Tumor predisposition; Hereditary Cancer Syndrome. Identifiers: Orphanet 140162, MedGen C0027672, MeSH D009386, MONDO:0015356.

Submissions (3):

Evidence-based Network for the Interpretation of Germline Mutant Alleles (ENIGMA)
Classification: Pathogenic for Breast-ovarian cancer, familial, susceptibility to, 2. Last evaluated: 2016-10-18. Review status: reviewed by expert panel. Criteria: ENIGMA BRCA1/2 Classification Criteria (2015). Collection method: curation. Allele origin: germline.
Comment: Variant allele predicted to encode a truncated non-functional protein.

Ambry Genetics
Classification: Pathogenic for Hereditary cancer-predisposing syndrome. Last evaluated: 2021-02-10. Review status: criteria provided, single submitter. Criteria: Ambry Variant Classification Scheme 2023. Collection method: clinical testing. Allele origin: germline. Not counted in ClinVar's aggregate classification.
Comment: The c.6048delT pathogenic mutation, located in coding exon 10 of the BRCA2 gene, results from a deletion of one nucleotide at nucleotide position 6048, causing a translational frameshift with a predicted alternate stop codon (p.F2016Lfs*24). This alteration was identified in a large, worldwide study of BRCA1/2 mutation positive families (Rebbeck TR et al. Hum Mutat, 2018 05;39:593-620). In addition to the information presented in the literature, this alteration is expected to result in loss of function by premature protein truncation or nonsense-mediated mRNA decay. As such, this alteration is interpreted as a disease-causing mutation.

Consortium of Investigators of Modifiers of BRCA1/2 (CIMBA), c/o University of Cambridge
Classification: Pathogenic for Breast-ovarian cancer, familial, susceptibility to, 2. Last evaluated: 2015-10-02. Review status: criteria provided, single submitter. Criteria: CIMBA Mutation Classification guidelines May 2016. Collection method: clinical testing. Allele origin: germline. Not counted in ClinVar's aggregate classification.

Literature cited by the submitters: PubMed 29446198 (cited by Ambry Genetics).